The following is an entry in ClinVar:

NM_001375808.2(LPIN2):c.2579T>C (p.Val860Ala)

Gene: LPIN2 (lipin 2; minus strand). Cytogenetic location: 18p11.31.
Variant type: single nucleotide variant.
Coding change: c.2579T>C on transcript NM_001375808.2 (MANE Select); coding-DNA position 2579, T replaced by C.
Protein change: p.Val860Ala; replaces valine 860 with alanine.
Molecular consequence: missense variant.
Genome position (GRCh38, 1-based): chr18:2,920,405, A>G on the plus strand (T>C on the coding strand, the complement: LPIN2 is on the minus strand). VCF-style: chr18-2920405-A-G. GRCh37 (hg19) VCF-style: chr18-2920403-A-G.
Other names: c.2579T>C, p.Val860Ala (NM_001375809.1, NM_014646.2); short protein forms V860A.
Identifiers: ClinVar variation 3680950 (VCV003680950.2).

ClinVar aggregate classification (germline): Uncertain significance (1 of 4 stars; one submission).

Conditions:
Majeed syndrome (MJDS). Also called: LPIN2-Related Majeed Syndrome; CHRONIC RECURRENT MULTIFOCAL OSTEOMYELITIS 1, WITH CONGENITAL DYSERYTHROPOIETIC ANEMIA, WITH OR WITHOUT NEUTROPHILIC DERMATOSIS. Identifiers: Orphanet 77297, MedGen C1864997, MONDO:0012316, OMIM 609628.

gnomAD v4.1: 4 of 1,613,906 alleles (0.00025%); highest among the groups gnomAD compares: South Asian, 0.0011%; no homozygotes.

Submission:

Labcorp Genetics (formerly Invitae), Labcorp
Classification: Uncertain significance for Majeed syndrome. Last evaluated: 2024-05-15. Review status: criteria provided, single submitter. Criteria: Invitae Variant Classification Sherloc (09022015). Collection method: clinical testing. Allele origin: germline.
Comment: This sequence change replaces valine, which is neutral and non-polar, with alanine, which is neutral and non-polar, at codon 860 of the LPIN2 protein (p.Val860Ala). This variant is not present in population databases (gnomAD no frequency). This variant has not been reported in the literature in individuals affected with LPIN2-related conditions. Advanced modeling of protein sequence and biophysical properties (such as structural, functional, and spatial information, amino acid conservation, physicochemical variation, residue mobility, and thermodynamic stability) performed at Invitae indicates that this missense variant is expected to disrupt LPIN2 protein function with a positive predictive value of 80%. In summary, the available evidence is currently insufficient to determine the role of this variant in disease. Therefore, it has been classified as a Variant of Uncertain Significance.